The following is an entry in ClinVar:

NM_024642.5(GALNT12):c.951_954del (p.Ser318fs)

Gene: GALNT12 (polypeptide N-acetylgalactosaminyltransferase 12; plus strand). Cytogenetic location: 9q22.33.
Variant type: Deletion.
Coding change: c.951_954del on transcript NM_024642.5 (MANE Select); coding-DNA positions 951 to 954, 4 bases deleted (GAGT; older notation c.951_954delGAGT).
Protein change: p.Ser318fs; shifts the reading frame from serine 318.
Molecular consequence: frameshift variant.
Genome position (GRCh38, 1-based): chr9:98,835,282-98,835,285, GAGT deleted; deleting any 4 consecutive bases within chr9:98,835,280-98,835,285 gives the same sequence; the c. name uses the placement nearest the transcript's 3' end. VCF-style (leftmost placement, unchanged base first): chr9-98835279-TGTGA-T. GRCh37 (hg19) VCF-style: chr9-101597561-TGTGA-T.
Other names: short protein forms S318fs.
Identifiers: ClinVar variation 4724685 (VCV004724685.1).

ClinVar aggregate classification (germline): Uncertain significance (1 of 4 stars; one submission).

Submission:

Labcorp Genetics (formerly Invitae), Labcorp
Classification: Uncertain significance. Last evaluated: 2025-12-31. Review status: criteria provided, single submitter. Criteria: Invitae Variant Classification Sherloc (09022015). Collection method: clinical testing. Allele origin: germline.
Comment: This sequence change creates a premature translational stop signal (p.Ser318Argfs*92) in the GALNT12 gene. It is expected to result in an absent or disrupted protein product. However, the current clinical and genetic evidence is not sufficient to establish whether loss-of-function variants in GALNT12 cause disease. This variant is not present in population databases (gnomAD no frequency). This variant has not been reported in the literature in individuals affected with GALNT12-related conditions. In summary, the available evidence is currently insufficient to determine the role of this variant in disease. Therefore, it has been classified as a Variant of Uncertain Significance.